The following is an entry in ClinVar:

NC_000010.10:g.(?_73537417)_(73551112_?)dup

Gene: CDH23 (cadherin related 23; plus strand). Cytogenetic location: 10q22.1.
Variant type: Duplication.
Identifiers: ClinVar variation 2426730 (VCV002426730.4).

ClinVar aggregate classification (germline): Likely pathogenic (1 of 4 stars; one submission).

Submission:

Labcorp Genetics (formerly Invitae), Labcorp
Classification: Likely pathogenic. Last evaluated: 2022-08-23. Review status: criteria provided, single submitter. Criteria: Invitae Variant Classification Sherloc (09022015). Collection method: clinical testing. Allele origin: germline.
Comment: In summary, the currently available evidence indicates that the variant is pathogenic, but additional data are needed to prove that conclusively. Therefore, this variant has been classified as Likely Pathogenic. Experimental studies and prediction algorithms are not available or were not evaluated, and the functional significance of this variant is currently unknown. This variant has not been reported in the literature in individuals affected with CDH23-related conditions. This variant results in a copy number gain of the genomic region encompassing exon(s) 39-47 of the CDH23 gene. While the exact position of this variant cannot be determined from the data, sub-genic copy number gains are generally in tandem (PMID: 25640679). This variant is predicted to be out-of-frame, and may result in an absent or disrupted protein product. Loss-of-function variants in CDH23 are known to be pathogenic (PMID: 11138009, 21940737).

Literature cited by the submitters: PubMed 25640679; PubMed 11138009; PubMed 21940737.